The following is an entry in ClinVar:

ClinVar aggregate classification (germline): Uncertain significance (1 of 4 stars; one submission).

Submission:

GeneDx
Classification: Uncertain significance. Last evaluated: 2025-06-11. Review status: criteria provided, single submitter. Criteria: GeneDx Variant Classification Process June 2021. Collection method: clinical testing. Allele origin: germline. Affected: yes.
Comment: Not observed at significant frequency in large population cohorts (gnomAD); In silico analysis supports that this missense variant has a deleterious effect on protein structure/function; Has not been previously published as pathogenic or benign to our knowledge

NM_014712.3(SETD1A):c.376C>T (p.Leu126Phe)

Gene: SETD1A (SET domain containing 1A, histone lysine methyltransferase; plus strand). Cytogenetic location: 16p11.2.
Variant type: single nucleotide variant.
Coding change: c.376C>T on transcript NM_014712.3 (MANE Select); coding-DNA position 376, C replaced by T.
Protein change: p.Leu126Phe; replaces leucine 126 with phenylalanine.
Molecular consequence: missense variant.
Genome position (GRCh38, 1-based): chr16:30,961,396, C>T. VCF-style: chr16-30961396-C-T. GRCh37 (hg19) VCF-style: chr16-30972717-C-T.
Other names: short protein forms L126F.
Identifiers: ClinVar variation 4537577 (VCV004537577.1).